The following is an entry in ClinVar:

ClinVar aggregate classification (germline): Uncertain significance (1 of 4 stars; one submission).

Conditions:
Familial thoracic aortic aneurysm and aortic dissection (TAAD). Also called: Thoracic aortic aneurysms and dissections. Identifiers: Orphanet 91387, MedGen C4707243, MONDO:0019625.

Submission:

Labcorp Genetics (formerly Invitae), Labcorp
Classification: Uncertain significance for Familial thoracic aortic aneurysm and aortic dissection. Last evaluated: 2022-07-26. Review status: criteria provided, single submitter. Criteria: Invitae Variant Classification Sherloc (09022015). Collection method: clinical testing. Allele origin: germline.
Comment: In summary, the available evidence is currently insufficient to determine the role of this variant in disease. Therefore, it has been classified as a Variant of Uncertain Significance. Advanced modeling of protein sequence and biophysical properties (such as structural, functional, and spatial information, amino acid conservation, physicochemical variation, residue mobility, and thermodynamic stability) performed at Invitae indicates that this missense variant is expected to disrupt SMAD3 protein function. ClinVar contains an entry for this variant (Variation ID: 1015493). This variant has not been reported in the literature in individuals affected with SMAD3-related conditions. This variant is not present in population databases (gnomAD no frequency). This sequence change replaces glycine, which is neutral and non-polar, with aspartic acid, which is acidic and polar, at codon 259 of the SMAD3 protein (p.Gly259Asp).

NM_005902.4(SMAD3):c.776G>A (p.Gly259Asp)

Gene: SMAD3 (SMAD family member 3; plus strand). Cytogenetic location: 15q22.33.
Variant type: single nucleotide variant.
Coding change: c.776G>A on transcript NM_005902.4 (MANE Select); coding-DNA position 776, G replaced by A.
Protein change: p.Gly259Asp; replaces glycine 259 with aspartic acid.
Molecular consequence: missense variant.
Genome position (GRCh38, 1-based): chr15:67,181,358, G>A. VCF-style: chr15-67181358-G-A. GRCh37 (hg19) VCF-style: chr15-67473696-G-A.
Other names: c.461G>A, p.Gly154Asp (NM_001145102.2); c.644G>A, p.Gly215Asp (NM_001145103.2); c.191G>A, p.Gly64Asp (NM_001145104.2); short protein forms G64D, G154D, G215D, G259D.
Identifiers: ClinVar variation 1015493 (VCV001015493.8), dbSNP rs1963050062, ClinGen allele CA392956242.